The following is an entry in ClinVar:

NM_004972.4(JAK2):c.2213G>T (p.Ser738Ile)

Genes: INSL6 (insulin like 6; minus strand), JAK2 (Janus kinase 2; plus strand). Cytogenetic location: 9p24.1.
Variant type: single nucleotide variant.
Coding change: c.2213G>T on transcript NM_004972.4 (MANE Select); coding-DNA position 2213, G replaced by T.
Protein change: p.Ser738Ile; replaces serine 738 with isoleucine.
Molecular consequence: missense variant. On other transcripts: non-coding transcript variant (2).
Genome position (GRCh38, 1-based): chr9:5,080,310, G>T. VCF-style: chr9-5080310-G-T. GRCh37 (hg19) VCF-style: chr9-5080310-G-T.
Other names: c.2213G>T, p.Ser738Ile (NM_001322194.2, NM_001322195.2, NM_001322196.2); c.998G>T, p.Ser333Ile (NM_001322198.2, NM_001322199.2); c.1766G>T, p.Ser589Ile (NM_001322204.2); short protein forms S333I, S589I, S738I.
Identifiers: ClinVar variation 3390435 (VCV003390435.1).

ClinVar aggregate classification (germline): Uncertain significance (1 of 4 stars; one submission).

Submission:

GeneDx
Classification: Uncertain significance. Last evaluated: 2024-06-11. Review status: criteria provided, single submitter. Criteria: GeneDx Variant Classification Process June 2021. Collection method: clinical testing. Allele origin: germline. Affected: yes.
Comment: Not observed at significant frequency in large population cohorts (gnomAD); In silico analysis supports that this missense variant has a deleterious effect on protein structure/function; Has not been previously published as pathogenic or benign to our knowledge